The following is an entry in ClinVar:

NM_000080.4(CHRNE):c.1299_1306del (p.Ser433fs)

Gene: CHRNE (cholinergic receptor nicotinic epsilon subunit; minus strand). Cytogenetic location: 17p13.2.
Variant type: Deletion.
Coding change: c.1299_1306del on transcript NM_000080.4 (MANE Select); coding-DNA positions 1299 to 1306, 8 bases deleted (CACGAGAG; older notation c.1299_1306delCACGAGAG).
Protein change: p.Ser433fs; shifts the reading frame from serine 433.
Molecular consequence: frameshift variant.
Genome position (GRCh38, 1-based): chr17:4,899,021-4,899,028, CTCTCGTG deleted on the plus strand (CACGAGAG on the coding strand, the reverse complement: CHRNE is on the minus strand); deleting any 8 consecutive bases within chr17:4,899,021-4,899,034 gives the same sequence; the c. name uses the placement nearest the transcript's 3' end. VCF-style (leftmost placement, unchanged base first): chr17-4899020-TCTCTCGTG-T. GRCh37 (hg19) VCF-style: chr17-4802315-TCTCTCGTG-T.
Other names: short protein forms S433fs.
Identifiers: ClinVar variation 3693096 (VCV003693096.2).

ClinVar aggregate classification (germline): Pathogenic (1 of 4 stars; one submission).

Conditions:
Congenital myasthenic syndrome 4A. Also called: MYASTHENIC SYNDROME, CONGENITAL, 4A, SLOW-CHANNEL, AUTOSOMAL RECESSIVE; Myasthenic syndrome, congenital, 4a, slow-channel; CONGENITAL MYASTHENIC SYNDROME TYPE Ia1. Identifiers: Orphanet 590, MedGen C4225413, MONDO:0011600, OMIM 605809.

Submission:

Labcorp Genetics (formerly Invitae), Labcorp
Classification: Pathogenic for Congenital myasthenic syndrome 4A. Last evaluated: 2024-10-06. Review status: criteria provided, single submitter. Criteria: Invitae Variant Classification Sherloc (09022015). Collection method: clinical testing. Allele origin: germline.
Comment: This sequence change creates a premature translational stop signal (p.Ser433Argfs*20) in the CHRNE gene. While this is not anticipated to result in nonsense mediated decay, it is expected to disrupt the last 61 amino acid(s) of the CHRNE protein. This variant is not present in population databases (gnomAD no frequency). This variant has not been reported in the literature in individuals affected with CHRNE-related conditions. This variant disrupts a region of the CHRNE protein in which other variant(s) (p.Leu463Arg) have been determined to be pathogenic (internal data). This suggests that this is a clinically significant region of the protein, and that variants that disrupt it are likely to be disease-causing. For these reasons, this variant has been classified as Pathogenic.